The following is an entry in ClinVar:

NM_001458.5(FLNC):c.1567G>C (p.Val523Leu)

Gene: FLNC (filamin C; plus strand). Cytogenetic location: 7q32.1.
Variant type: single nucleotide variant.
Coding change: c.1567G>C on transcript NM_001458.5 (MANE Select); coding-DNA position 1567, G replaced by C.
Protein change: p.Val523Leu; replaces valine 523 with leucine.
Molecular consequence: missense variant.
Genome position (GRCh38, 1-based): chr7:128,840,565, G>C. VCF-style: chr7-128840565-G-C. GRCh37 (hg19) VCF-style: chr7-128480619-G-C.
Other names: c.1567G>C, p.Val523Leu (NM_001127487.2); short protein forms V523L.
Identifiers: ClinVar variation 4812405 (VCV004812405.1).

ClinVar aggregate classification (germline): Uncertain significance (1 of 4 stars; one submission).

Conditions:
Hypertrophic cardiomyopathy 26. Also called: Cardiomyopathy, familial hypertrophic, 26. Identifiers: Orphanet 75249, MedGen C4310749, MONDO:0014883, OMIM 617047.
Myofibrillar myopathy 5. Also called: Filaminopathy (type); FILAMINOPATHY, AUTOSOMAL DOMINANT. Identifiers: Orphanet 171445, MedGen C1836050, MONDO:0012289, OMIM 609524.
Distal myopathy with posterior leg and anterior hand involvement. Also called: WILLIAMS DISTAL MYOPATHY. Identifiers: Orphanet 63273, MedGen C3279722, MONDO:0013550, OMIM 614065.

Submission:

Labcorp Genetics (formerly Invitae), Labcorp
Classification: Uncertain significance for Distal myopathy with posterior leg and anterior hand involvement; Myofibrillar myopathy 5; Hypertrophic cardiomyopathy 26. Last evaluated: 2025-05-27. Review status: criteria provided, single submitter. Criteria: Invitae Variant Classification Sherloc (09022015). Collection method: clinical testing. Allele origin: germline.
Comment: This sequence change replaces valine, which is neutral and non-polar, with leucine, which is neutral and non-polar, at codon 523 of the FLNC protein (p.Val523Leu). This variant is not present in population databases (gnomAD no frequency). This variant has not been reported in the literature in individuals affected with FLNC-related conditions. Invitae Evidence Modeling of protein sequence and biophysical properties (such as structural, functional, and spatial information, amino acid conservation, physicochemical variation, residue mobility, and thermodynamic stability) has been performed for this missense variant. However, the output from this modeling did not meet the statistical confidence thresholds required to predict the impact of this variant on FLNC protein function. In summary, the available evidence is currently insufficient to determine the role of this variant in disease. Therefore, it has been classified as a Variant of Uncertain Significance.